The following is an entry in ClinVar:

ClinVar aggregate classification (germline): Pathogenic (1 of 4 stars; one submission).

Conditions:
Atrophia bulborum hereditaria (ND). Also called: EPISKOPI BLINDNESS; Norrie Disease (Classic Norrie Disease Ocular Phenotype with or without Extraocular Findings; Pseudoglioma; Norrie syndrome; Norrie-Warburg syndrome; Anderson-Warburg syndrome. Identifiers: Orphanet 649, MedGen C0266526, MONDO:0010691, OMIM 310600, HP:6000262.

Submission:

Victorian Clinical Genetics Services, Murdoch Childrens Research Institute
Classification: Pathogenic for Atrophia bulborum hereditaria. Last evaluated: 2021-05-06. Review status: criteria provided, single submitter. Criteria: ACMG Guidelines, 2015. Collection method: clinical testing. Allele origin: germline. Inheritance: X-linked recessive inheritance.
Comment: Based on the classification scheme VCGS_Germline_v1.3.4, this variant is classified as Pathogenic. Following criteria are met: 0102 - Loss of function is a known mechanism of disease in this gene and is associated with Norrie disease (MIM#310600). (I) 0109 - This gene is associated with X-linked recessive disease. Males with pathogenic variants consistently present with disease, whereas carrier females are usually unaffected. Isolated female cases have been reported with milder symptoms, which may be due to skewed X-inactivation (PMID: 11748312). (I) 0204 - Variant is predicted to result in a truncated protein (premature termination codon is NOT located at least 54 nucleotides upstream of the final exon-exon junction) with at least 1/3 of the protein sequence affected. (SP) 0253 - This variant is hemizygous. (I) 0301 - Variant is absent from gnomAD (both v2 and v3). (SP) 0600 - Variant is predicted to truncate part of the C-terminal cystine knot-like domain (NCBI) (I) 0701 - Other truncating variants comparable to the one identified in this case have very strong previous evidence for pathogenicity. Other variants predicted to result in a truncated protien have previously been reported as pathogenic in multiple individuals with Norrie disease (MIM#310600) (ClinVar). (SP) 0807 - This variant has no previous evidence of pathogenicity. (I) 0905 - No published segregation evidence has been identified for this variant. (I) 1007 - No published functional evidence has been identified for this variant. (I) 1102 - Strong phenotype match for this individual. (SP) 1208 - Inheritance information for this variant is not currently available in this individual. (I) Legend: (SP) - Supporting pathogenic, (I) - Information, (SB) - Supporting benign

Literature cited by the submitters: PubMed 11748312.

NM_000266.4(NDP):c.223_224dup (p.Glu76fs)

Genes: NDP (norrin cystine knot growth factor NDP; minus strand), NDP-AS1 (NDP antisense RNA 1; plus strand). Cytogenetic location: Xp11.3.
Variant type: Duplication.
Coding change: c.223_224dup on transcript NM_000266.4 (MANE Select); coding-DNA positions 223 to 224, 2 bases duplicated (TC; older notation c.223_224dupTC).
Protein change: p.Glu76fs; shifts the reading frame from glutamic acid 76.
Molecular consequence: frameshift variant. On other transcripts: non-coding transcript variant (1).
Genome position (GRCh38, 1-based): chrX:43,949,977-43,949,978, GA duplicated on the plus strand (TC on the coding strand, the reverse complement: NDP is on the minus strand); duplicating any 2 consecutive bases within chrX:43,949,977-43,949,979 gives the same sequence; the c. name uses the placement nearest the transcript's 3' end. VCF-style (leftmost placement, unchanged base first): chrX-43949976-G-GGA. GRCh37 (hg19) VCF-style: chrX-43809222-G-GGA.
Other names: short protein forms E76fs.
Identifiers: ClinVar variation 1805040 (VCV001805040.1), dbSNP rs2519315108, ClinGen allele CA1139771255.
Genomic context (GRCh38, chrX:43,949,976, plus strand): 5'-GCAGTGACAGGAGGAACGGAAGGGTTGCTTGAGGACAGTGCTGAACGACACCAAAGGCTC[G>GGA]GAGCGTGACGCCTGGCTGCAGTGCCCCTCGCACCTGGCCAGGAGCACCATCTGGGGAAAG-3'